The following is an entry in ClinVar:

ClinVar aggregate classification (germline): Conflicting classifications of pathogenicity. Review status: criteria provided, conflicting classifications (1 of 4 stars). 6 submissions from 6 submitters: Uncertain significance (3); Benign (1); Likely benign (2). Last evaluated 2026-01-15.

Conditions:
A2ML1-related disorder. Also called: A2ML1-related condition.
Otitis media, susceptibility to (OMS). Also called: COME/ROM; OTITIS MEDIA, CHRONIC/RECURRENT. Identifiers: MedGen C1833692, MONDO:0008162, OMIM 166760.

Allele frequency attached by ClinVar (database versions not stated): 1000 Genomes Project 30x 0.00031; 1000 Genomes Project 0.00040; ESP Exome Variant Server 0.00057; TOPMed 0.00076; gnomAD exomes 0.00099; ExAC 0.00104; gnomAD 0.00105 and 0.00108.
gnomAD v4.1: 1,280 of 1,611,252 alleles (0.079%); highest among the groups gnomAD compares: Non-Finnish European, 0.09%; 3 homozygotes.

Submissions (6):

PreventionGenetics, part of Exact Sciences
Classification: Uncertain significance for A2ML1-related condition. Last evaluated: 2026-01-15. Review status: criteria provided, single submitter. Criteria: ACMG Guidelines, 2015. Collection method: clinical testing. Allele origin: germline.
Comment: The A2ML1 c.4061+1G>A variant is predicted to disrupt the GT donor site and interfere with normal splicing. This variant has been reported in an individual with Noonan syndrome, although no further evidence was provided to determine its pathogenicity (van Trier et al. 2015. PubMed ID: 25862627). It was also observed in an individual with SHORT syndrome (Table S3 - Chudasama et al. 2013. PubMed ID: 23810379). This variant was hypothesized as a rare non-pathogenic variant (Table S2 - Vissers et al. 2015. PubMed ID: 24939586). This variant is reported in 0.22% of alleles in individuals of Ashkenazi Jewish descent in gnomAD, which is too high for a pathogenic variant associated with autosomal dominant Noonan syndrome (Gelb et al. 2018. PubMed ID: 29493581). In the context of autosomal dominant Noonan syndrome, this variant is considered likely benign. Missense and premature termination variants in A2ML1 have been associated with susceptibility to otitis media (Santos-Cortez. 2015. PubMed ID: 26121085; OMIM #166760). Therefore, regarding susceptibility to otitis media the clinical significance of this variant is uncertain due to the absence of conclusive functional and genetic evidence.

Labcorp Genetics (formerly Invitae), Labcorp
Classification: Likely benign. Last evaluated: 2026-01-06. Review status: criteria provided, single submitter. Criteria: Invitae Variant Classification Sherloc (09022015). Collection method: clinical testing. Allele origin: germline.

Blueprint Genetics
Classification: Likely benign. Last evaluated: 2024-11-26. Review status: criteria provided, single submitter. Criteria: ACMG Guidelines, 2015. Collection method: clinical testing. Allele origin: germline.

Institute for Clinical Genetics, University Hospital TU Dresden, University Hospital TU Dresden
Classification: Uncertain significance. Last evaluated: 2021-11-03. Review status: criteria provided, single submitter. Criteria: ACMG Guidelines, 2015. Collection method: clinical testing. Allele origin: germline.

Women's Health and Genetics/Laboratory Corporation of America, LabCorp
Classification: Benign. Last evaluated: 2020-01-13. Review status: criteria provided, single submitter. Criteria: LabCorp Variant Classification Summary - May 2015. Collection method: clinical testing. Allele origin: germline.
Comment: Variant summary: A2ML1 c.4061+1G>A is located in a canonical splice-site and is predicted to affect mRNA splicing resulting in a significantly altered protein due to either exon skipping, shortening, or inclusion of intronic material. Several computational tools predict a significant impact on normal splicing: Four predict the variant abolishes a 5' splicing donor site. However, these predictions have yet to be confirmed by functional studies. Importantly, loss-of-function is not a mechanism consistent with disease for A2ML1 gene. The variant allele was found at a frequency of 0.00099 in 245778 control chromosomes (gnomAD). The observed variant frequency is approximately 247-fold of the estimated maximal expected allele frequency for a pathogenic variant in A2ML1 causing Noonan Syndrome phenotype (4e-06), strongly suggesting that the variant is benign. c.4061+1G>A has been reported in the literature in individuals affected with Noonan Syndrome (e.g. van Trier_2015, Vissers_2015). These reports do not provide unequivocal conclusions about association of the variant with Noonan Syndrome. To our knowledge, no experimental evidence demonstrating an impact on protein function has been reported. A ClinVar submitter (evaluation after 2014) cites the variant as likely benign. Based on the evidence outlined above, the variant was classified as benign.

Mendelics
Classification: Uncertain significance for Otitis media, susceptibility to. Last evaluated: 2019-05-28. Review status: criteria provided, single submitter. Criteria: Mendelics Assertion Criteria 2017. Collection method: clinical testing. Allele origin: unknown.

Literature cited by the submitters: PubMed 25862627 (cited by Women's Health and Genetics/Laboratory Corporation of America, LabCorp); PubMed 24939586 (cited by Women's Health and Genetics/Laboratory Corporation of America, LabCorp).

NM_144670.6(A2ML1):c.4061+1G>A

Gene: A2ML1 (alpha-2-macroglobulin like 1; plus strand). Cytogenetic location: 12p13.31.
Variant type: single nucleotide variant.
Coding change: c.4061+1G>A on transcript NM_144670.6 (MANE Select); the canonical splice donor site of the intron after coding-DNA position 4061, G replaced by A.
Molecular consequence: splice donor variant.
Genome position (GRCh38, 1-based): chr12:8,868,358, G>A. VCF-style: chr12-8868358-G-A. GRCh37 (hg19) VCF-style: chr12-9020954-G-A.
Other names: c.2588+1G>A (NM_001282424.3).
Identifiers: ClinVar variation 696412 (VCV000696412.18), dbSNP rs202067416, ClinGen allele CA6436565.